The following is an entry in ClinVar:

NM_003922.4(HERC1):c.1247T>C (p.Phe416Ser)

Gene: HERC1 (HECT and RLD domain containing E3 ubiquitin protein ligase family member 1; minus strand). Cytogenetic location: 15q22.31.
Variant type: single nucleotide variant.
Coding change: c.1247T>C on transcript NM_003922.4 (MANE Select); coding-DNA position 1247, T replaced by C.
Protein change: p.Phe416Ser; replaces phenylalanine 416 with serine.
Molecular consequence: missense variant.
Genome position (GRCh38, 1-based): chr15:63,756,723, A>G on the plus strand (T>C on the coding strand, the complement: HERC1 is on the minus strand). VCF-style: chr15-63756723-A-G. GRCh37 (hg19) VCF-style: chr15-64048922-A-G.
Other names: c.1247T>C (NM_003922.3); short protein forms F416S.
Identifiers: ClinVar variation 3698894 (VCV003698894.3).

ClinVar aggregate classification (germline): Uncertain significance. Review status: criteria provided, multiple submitters, no conflicts (2 of 4 stars). 2 submissions from 2 submitters: Uncertain significance (2). Last evaluated 2026-03-18.

Submissions (2):

GeneDx
Classification: Uncertain significance. Last evaluated: 2026-03-18. Review status: criteria provided, single submitter. Criteria: GeneDx Variant Classification Process June 2021. Collection method: clinical testing. Allele origin: germline.
Comment: Not observed at significant frequency in large population cohorts (gnomAD); In silico analysis supports that this missense variant has a deleterious effect on protein structure/function; Has not been previously published as pathogenic or benign to our knowledge

Labcorp Genetics (formerly Invitae), Labcorp
Classification: Uncertain significance. Last evaluated: 2025-04-02. Review status: criteria provided, single submitter. Criteria: Invitae Variant Classification Sherloc (09022015). Collection method: clinical testing. Allele origin: germline.
Comment: This sequence change replaces phenylalanine, which is neutral and non-polar, with serine, which is neutral and polar, at codon 416 of the HERC1 protein (p.Phe416Ser). This variant is not present in population databases (gnomAD no frequency). This variant has not been reported in the literature in individuals affected with HERC1-related conditions. ClinVar contains an entry for this variant (Variation ID: 3698894). Invitae Evidence Modeling of protein sequence and biophysical properties (such as structural, functional, and spatial information, amino acid conservation, physicochemical variation, residue mobility, and thermodynamic stability) indicates that this missense variant is not expected to disrupt HERC1 protein function with a negative predictive value of 80%. In summary, the available evidence is currently insufficient to determine the role of this variant in disease. Therefore, it has been classified as a Variant of Uncertain Significance.